The following is an entry in ClinVar:

ClinVar aggregate classification (germline): Uncertain significance (1 of 4 stars; one submission).

Conditions:
Aicardi-Goutieres syndrome 7 (AGS7). Identifiers: Orphanet 51, MedGen C3888244, MONDO:0014367, OMIM 615846.
Singleton-Merten syndrome 1 (SGMRT1). Also called: Widened medullary cavities of bone, aortic calcification, abnormal dentition, and muscular weakness; Syndrome of widened medullary cavities of the metacarpals and phalanges, aortic calcification and abnormal dentition. Identifiers: Orphanet 85191, MedGen C4225427, MONDO:0024535, OMIM 182250.

gnomAD v4.1: 3 of 1,614,084 alleles (0.00019%); highest among the groups gnomAD compares: Non-Finnish European, 0.00025%; no homozygotes.

Submission:

Labcorp Genetics (formerly Invitae), Labcorp
Classification: Uncertain significance for Aicardi-Goutieres syndrome 7; Singleton-Merten syndrome 1. Last evaluated: 2025-11-10. Review status: criteria provided, single submitter. Criteria: Invitae Variant Classification Sherloc (09022015). Collection method: clinical testing. Allele origin: germline.
Comment: This sequence change replaces glycine, which is neutral and non-polar, with glutamic acid, which is acidic and polar, at codon 69 of the IFIH1 protein (p.Gly69Glu). This variant is present in population databases (no rsID available, gnomAD 0.01%). This variant has not been reported in the literature in individuals affected with IFIH1-related conditions. An algorithm developed to predict the effect of missense changes on protein structure and function outputs the following: PolyPhen-2: "Benign". The glutamic acid amino acid residue is found in multiple mammalian species, which suggests that this missense change does not adversely affect protein function. In summary, the available evidence is currently insufficient to determine the role of this variant in disease. Therefore, it has been classified as a Variant of Uncertain Significance.

NM_022168.4(IFIH1):c.206G>A (p.Gly69Glu)

Gene: IFIH1 (interferon induced with helicase C domain 1; minus strand). Cytogenetic location: 2q24.2.
Variant type: single nucleotide variant.
Coding change: c.206G>A on transcript NM_022168.4 (MANE Select); coding-DNA position 206, G replaced by A.
Protein change: p.Gly69Glu; replaces glycine 69 with glutamic acid.
Molecular consequence: missense variant.
Genome position (GRCh38, 1-based): chr2:162,318,102, C>T on the plus strand (G>A on the coding strand, the complement: IFIH1 is on the minus strand). VCF-style: chr2-162318102-C-T. GRCh37 (hg19) VCF-style: chr2-163174612-C-T.
Other names: short protein forms G69E.
Identifiers: ClinVar variation 4790970 (VCV004790970.1).